The following is an entry in ClinVar:

ClinVar aggregate classification (germline): Uncertain significance (1 of 4 stars; one submission).

Conditions:
Gorlin syndrome. Also called: Basal cell nevus syndrome; Nevoid Basal Cell Carcinoma Syndrome. Identifiers: Orphanet 377, MedGen C0004779, MONDO:0007187.

Submission:

Labcorp Genetics (formerly Invitae), Labcorp
Classification: Uncertain significance for Gorlin syndrome. Last evaluated: 2021-02-11. Review status: criteria provided, single submitter. Criteria: Invitae Variant Classification Sherloc (09022015). Collection method: clinical testing. Allele origin: germline.
Comment: This sequence change replaces tryptophan with arginine at codon 337 of the PTCH1 protein (p.Trp337Arg). The tryptophan residue is highly conserved and there is a moderate physicochemical difference between tryptophan and arginine. This variant is not present in population databases (ExAC no frequency). This variant has not been reported in the literature in individuals with PTCH1-related conditions. Algorithms developed to predict the effect of missense changes on protein structure and function are either unavailable or do not agree on the potential impact of this missense change (SIFT: "Tolerated"; PolyPhen-2: "Probably Damaging"; Align-GVGD: "Class C0"). In summary, the available evidence is currently insufficient to determine the role of this variant in disease. Therefore, it has been classified as a Variant of Uncertain Significance.

NM_000264.5(PTCH1):c.1009T>A (p.Trp337Arg)

Gene: PTCH1 (patched 1; minus strand). Cytogenetic location: 9q22.32.
Variant type: single nucleotide variant.
Coding change: c.1009T>A on transcript NM_000264.5 (MANE Select); coding-DNA position 1009, T replaced by A.
Protein change: p.Trp337Arg; replaces tryptophan 337 with arginine.
Molecular consequence: missense variant. On other transcripts: non-coding transcript variant (1).
Genome position (GRCh38, 1-based): chr9:95,480,027, A>T on the plus strand (T>A on the coding strand, the complement: PTCH1 is on the minus strand). VCF-style: chr9-95480027-A-T. GRCh37 (hg19) VCF-style: chr9-98242309-A-T.
Other names: c.811T>A, p.Trp271Arg (NM_001083602.3); c.1006T>A, p.Trp336Arg (NM_001083603.3); c.556T>A, p.Trp186Arg (NM_001083604.3, NM_001083605.3, NM_001083606.3 and 1 more transcripts); c.1009T>A, p.Trp337Arg (NM_001354918.2); short protein forms W271R, W186R, W337R, W336R.
Identifiers: ClinVar variation 1371141 (VCV001371141.8), dbSNP rs2118391966, ClinGen allele CA374119682.